The following is an entry in ClinVar:

ClinVar aggregate classification (germline): Conflicting classifications of pathogenicity. Review status: criteria provided, conflicting classifications (1 of 4 stars). 2 submissions from 2 submitters: Likely pathogenic (1); Uncertain significance (1). Last evaluated 2023-04-12.

Conditions:
Cutis laxa, autosomal dominant 3 (ADCL3). Identifiers: Orphanet 90348, MedGen C4225268, MONDO:0014706, OMIM 616603.
de Barsy syndrome. Also called: Cutis laxa-corneal clouding-oligophrenia syndrome. Identifiers: Orphanet 2962, MedGen C0268354, MONDO:0017569.
Autosomal dominant spastic paraplegia type 9. Identifiers: MedGen C1832669, MONDO:0015091.

Allele frequency attached by ClinVar (database versions not stated): ExAC 0.00001; gnomAD 0.00001; gnomAD exomes 0.00001; TOPMed 0.00002.
gnomAD v4.1: 13 of 1,613,916 alleles (0.00081%); highest among the groups gnomAD compares: East Asian, 0.0089%; no homozygotes.

Submissions (2):

MVZ Martinsried, Medicover Genetics
Classification: Likely pathogenic for Cutis laxa, autosomal dominant 3. Last evaluated: 2023-04-12. Review status: criteria provided, single submitter. Criteria: ACGS Guidelines, 2020. Collection method: clinical testing. Allele origin: unknown.

Labcorp Genetics (formerly Invitae), Labcorp
Classification: Uncertain significance for Autosomal dominant spastic paraplegia type 9; de Barsy syndrome; Cutis laxa, autosomal dominant 3. Last evaluated: 2022-11-12. Review status: criteria provided, single submitter. Criteria: Invitae Variant Classification Sherloc (09022015). Collection method: clinical testing. Allele origin: germline.
Comment: In summary, the available evidence is currently insufficient to determine the role of this variant in disease. Therefore, it has been classified as a Variant of Uncertain Significance. Advanced modeling of protein sequence and biophysical properties (such as structural, functional, and spatial information, amino acid conservation, physicochemical variation, residue mobility, and thermodynamic stability) performed at Invitae indicates that this missense variant is expected to disrupt ALDH18A1 protein function. This variant has not been reported in the literature in individuals affected with ALDH18A1-related conditions. This variant is present in population databases (rs762588270, gnomAD 0.007%). This sequence change replaces glycine, which is neutral and non-polar, with serine, which is neutral and polar, at codon 78 of the ALDH18A1 protein (p.Gly78Ser).

NM_002860.4(ALDH18A1):c.232G>A (p.Gly78Ser)

Gene: ALDH18A1 (aldehyde dehydrogenase 18 family member A1; minus strand). Cytogenetic location: 10q24.1.
Variant type: single nucleotide variant.
Coding change: c.232G>A on transcript NM_002860.4 (MANE Select); coding-DNA position 232, G replaced by A.
Protein change: p.Gly78Ser; replaces glycine 78 with serine.
Molecular consequence: missense variant. On other transcripts: intron variant (4).
Genome position (GRCh38, 1-based): chr10:95,643,063, C>T on the plus strand (G>A on the coding strand, the complement: ALDH18A1 is on the minus strand). VCF-style: chr10-95643063-C-T. GRCh37 (hg19) VCF-style: chr10-97402820-C-T.
Other names: c.232G>A, p.Gly78Ser (NM_001017423.2, NM_001323413.2, NM_001323414.2 and 2 more transcripts); c.-78-9414G>A (NM_001323419.2); c.-30-5627G>A (NM_001323412.2, NM_001323418.2, NM_001323416.2); short protein forms G78S.
Identifiers: ClinVar variation 2197510 (VCV002197510.5), dbSNP rs762588270, ClinGen allele CA5620658.